The following is an entry in ClinVar:

ClinVar aggregate classification (germline): Pathogenic (1 of 4 stars; one submission).

Conditions:
Aortic aneurysm, familial thoracic 7 (AAT7). Also called: AORTIC DISSECTION, FAMILIAL, WITH OR WITHOUT AORTIC ANEURYSM. Identifiers: MedGen C3151077, MONDO:0013418, OMIM 613780.

Submission:

Labcorp Genetics (formerly Invitae), Labcorp
Classification: Pathogenic for Aortic aneurysm, familial thoracic 7. Last evaluated: 2019-09-13. Review status: criteria provided, single submitter. Criteria: Invitae Variant Classification Sherloc (09022015). Collection method: clinical testing. Allele origin: germline.
Comment: This variant has not been reported in the literature in individuals with MYLK-related conditions. ClinVar contains an entry for this variant (Variation ID: 471720). This sequence change creates a premature translational stop signal (p.Lys1089Glufs*35) in the MYLK gene. It is expected to result in an absent or disrupted protein product. This variant is not present in population databases (ExAC no frequency). This variant occurs within the aortic-specific isoform of MYLK. Loss-of-function variants in the aortic-specific isoform of MYLK are known to be pathogenic for thoracic aortic dissections (PMID: 21055718, 27586135, 11096123). For these reasons, this variant has been classified as Pathogenic.

Literature cited by the submitters: PubMed 21055718; PubMed 27586135; PubMed 11096123.

NM_053025.4(MYLK):c.3265_3266del (p.Lys1089fs)

Gene: MYLK (myosin light chain kinase; minus strand). Cytogenetic location: 3q21.1.
Variant type: Deletion.
Coding change: c.3265_3266del on transcript NM_053025.4 (MANE Select); coding-DNA positions 3265 to 3266, 2 bases deleted (AA; older notation c.3265_3266delAA).
Protein change: p.Lys1089fs; shifts the reading frame from lysine 1089.
Molecular consequence: frameshift variant.
Genome position (GRCh38, 1-based): chr3:123,700,202-123,700,203, TT deleted on the plus strand (AA on the coding strand, the reverse complement: MYLK is on the minus strand); deleting any 2 consecutive bases within chr3:123,700,202-123,700,205 gives the same sequence; the c. name uses the placement nearest the transcript's 3' end. VCF-style (leftmost placement, unchanged base first): chr3-123700201-CTT-C. GRCh37 (hg19) VCF-style: chr3-123419048-CTT-C.
Other names: c.2737_2738del, p.Lys913fs (NM_001321309.2); c.3058_3059del, p.Lys1020fs (NM_053026.4, NM_053028.4); c.3265_3266del, p.Lys1089fs (NM_053027.4); c.3265_3266del (NM_053025.3); short protein forms K1020fs, K913fs, K1089fs.
Identifiers: ClinVar variation 471720 (VCV000471720.10), dbSNP rs1553803235, ClinGen allele CA658657332.